The following is an entry in ClinVar:

NM_000535.7(PMS2):c.449C>A (p.Pro150His)

Gene: PMS2 (PMS1 homolog 2, mismatch repair system component; minus strand). Cytogenetic location: 7p22.1.
Variant type: single nucleotide variant.
Coding change: c.449C>A on transcript NM_000535.7 (MANE Select); coding-DNA position 449, C replaced by A.
Protein change: p.Pro150His; replaces proline 150 with histidine.
Molecular consequence: missense variant. On other transcripts: 5 prime UTR variant (2), non-coding transcript variant (1), intron variant (1).
Genome position (GRCh38, 1-based): chr7:6,002,541, G>T on the plus strand (C>A on the coding strand, the complement: PMS2 is on the minus strand). VCF-style: chr7-6002541-G-T. GRCh37 (hg19) VCF-style: chr7-6042172-G-T.
Other names: c.44C>A, p.Pro15His (NM_001322003.2, NM_001322004.2, NM_001322005.2 and 24 more transcripts); c.449C>A, p.Pro150His (NM_001322006.2, NM_001322014.2, NM_001406869.1 and 8 more transcripts); c.131C>A, p.Pro44His (NM_001322007.2, NM_001322008.2, NM_001406876.1 and 4 more transcripts); c.-436C>A (NM_001322011.2, NM_001322012.2); c.140C>A, p.Pro47His (NM_001322015.2, NM_001406875.1, NM_001406877.1 and 6 more transcripts); c.635C>A, p.Pro212His (NM_001406866.1); c.473C>A, p.Pro158His (NM_001406868.1); c.250+1431C>A (NM_001406885.1); short protein forms P44H, P47H, P15H, P150H, P158H, P212H.
Identifiers: ClinVar variation 4711198 (VCV004711198.1).

ClinVar aggregate classification (germline): Uncertain significance (1 of 4 stars; one submission).

Conditions:
Hereditary nonpolyposis colorectal neoplasms. Identifiers: MedGen C0009405, MeSH D003123.

Submission:

Labcorp Genetics (formerly Invitae), Labcorp
Classification: Uncertain significance for Hereditary nonpolyposis colorectal neoplasms. Last evaluated: 2025-05-25. Review status: criteria provided, single submitter. Criteria: Invitae Variant Classification Sherloc (09022015). Collection method: clinical testing. Allele origin: germline.
Comment: This sequence change replaces proline, which is neutral and non-polar, with histidine, which is basic and polar, at codon 150 of the PMS2 protein (p.Pro150His). This variant is not present in population databases (gnomAD no frequency). This variant has not been reported in the literature in individuals affected with PMS2-related conditions. Invitae Evidence Modeling incorporating data from in vitro experimental studies (internal data) indicates that this missense variant is not expected to disrupt PMS2 function with a negative predictive value of 95%. In summary, the available evidence is currently insufficient to determine the role of this variant in disease. Therefore, it has been classified as a Variant of Uncertain Significance.